The following is an entry in ClinVar:

NM_001378454.1(ALMS1):c.6923C>G (p.Ser2308Cys)

Gene: ALMS1 (ALMS1 centrosome and basal body associated protein; plus strand). Cytogenetic location: 2p13.1.
Variant type: single nucleotide variant.
Coding change: c.6923C>G on transcript NM_001378454.1 (MANE Select); coding-DNA position 6923, C replaced by G.
Protein change: p.Ser2308Cys; replaces serine 2308 with cysteine.
Molecular consequence: missense variant.
Genome position (GRCh38, 1-based): chr2:73,453,450, C>G. VCF-style: chr2-73453450-C-G. GRCh37 (hg19) VCF-style: chr2-73680577-C-G.
Other names: c.6926C>G, p.Ser2309Cys (NM_015120.4); short protein forms S2308C, S2309C.
Identifiers: ClinVar variation 3573753 (VCV003573753.1).

ClinVar aggregate classification (germline): Uncertain significance (1 of 4 stars; one submission).

gnomAD v4.1: 1 of 1,613,108 alleles (0.000062%); highest among the groups gnomAD compares: Admixed American, 0.0017%; no homozygotes.

Submission:

GeneDx
Classification: Uncertain significance. Last evaluated: 2024-07-15. Review status: criteria provided, single submitter. Criteria: GeneDx Variant Classification Process June 2021. Collection method: clinical testing. Allele origin: germline. Affected: yes.
Comment: Not observed at significant frequency in large population cohorts (gnomAD); Has not been previously published as pathogenic or benign to our knowledge; In-silico analysis is inconclusive as to whether the variant impacts protein structure/function. In the absence of functional studies, the actual effect of this sequence change is unknown